The following is an entry in ClinVar:

NM_000257.4(MYH7):c.2348G>T (p.Arg783Leu)

Genes: MYH7 (myosin heavy chain 7; minus strand), LOC126861898 (BRD4-independent group 4 enhancer GRCh37_chr14:23893609-23894808; plus strand). Cytogenetic location: 14q11.2.
Variant type: single nucleotide variant.
Coding change: c.2348G>T on transcript NM_000257.4 (MANE Select); coding-DNA position 2348, G replaced by T.
Protein change: p.Arg783Leu; replaces arginine 783 with leucine.
Molecular consequence: missense variant.
Genome position (GRCh38, 1-based): chr14:23,425,357, C>A on the plus strand (G>T on the coding strand, the complement: MYH7 is on the minus strand). VCF-style: chr14-23425357-C-A. GRCh37 (hg19) VCF-style: chr14-23894566-C-A.
Other names: c.2348G>T (NM_000257.2); short protein forms R783L.
Identifiers: ClinVar variation 454355 (VCV000454355.19), dbSNP rs397516142, ClinGen allele CA389048601.

ClinVar aggregate classification (germline): Uncertain significance. Review status: criteria provided, multiple submitters, no conflicts (2 of 4 stars). 6 submissions from 6 submitters: Uncertain significance (6). Last evaluated 2025-10-26.

Conditions:
Cardiovascular phenotype. Identifiers: MedGen CN230736.
Hypertrophic cardiomyopathy. Also called: HYPERTROPHIC MYOCARDIOPATHY. Identifiers: Orphanet 217569, MedGen C0007194, MeSH D002312, MONDO:0005045, HP:0001639.
Cardiomyopathy (CMYO). Also called: Cardiomyopathies. Identifiers: Orphanet 167848, MedGen C0878544, MONDO:0004994, HP:0001638. Inheritance: Various modes of inheritance.

gnomAD v4.1: 4 of 1,614,132 alleles (0.00025%); highest among the groups gnomAD compares: Admixed American, 0.0017%; no homozygotes.

Submissions (6):

Labcorp Genetics (formerly Invitae), Labcorp
Classification: Uncertain significance for Hypertrophic cardiomyopathy. Last evaluated: 2025-10-26. Review status: criteria provided, single submitter. Criteria: Invitae Variant Classification Sherloc (09022015). Collection method: clinical testing. Allele origin: germline.
Comment: This sequence change replaces arginine, which is basic and polar, with leucine, which is neutral and non-polar, at codon 783 of the MYH7 protein (p.Arg783Leu). This variant is present in population databases (no rsID available, gnomAD 0.003%). This missense change has been observed in individual(s) with clinical features of autosomal dominant MYH7-related conditions and/or hypertrophic cardiomyopathy (PMID: 34817018, 34984526; internal data). ClinVar contains an entry for this variant (Variation ID: 454355). Invitae Evidence Modeling of protein sequence and biophysical properties (such as structural, functional, and spatial information, amino acid conservation, physicochemical variation, residue mobility, and thermodynamic stability) has been performed for this missense variant. However, the output from this modeling did not meet the statistical confidence thresholds required to predict the impact of this variant on MYH7 protein function. This variant disrupts the p.Arg783 amino acid residue in MYH7. Other variant(s) that disrupt this residue have been determined to be pathogenic (PMID: 21211974). This suggests that this residue is clinically significant, and that variants that disrupt this residue are likely to be disease-causing. In summary, the available evidence is currently insufficient to determine the role of this variant in disease. Therefore, it has been classified as a Variant of Uncertain Significance.

Color Diagnostics, LLC DBA Color Health
Classification: Uncertain significance for Cardiomyopathy. Last evaluated: 2025-03-03. Review status: criteria provided, single submitter. Criteria: ACMG Guidelines, 2015. Collection method: clinical testing. Allele origin: germline.
Comment: This missense variant replaces arginine with leucine at codon 783 of the MYH7 protein. Computational prediction suggests that this variant may not impact protein structure and function. To our knowledge, functional studies have not been reported for this variant. This variant has been reported in an individual affected with sudden arrhythmic death (PMID: 26498160), in an individual affected with sudden cardiac death (PMID: 34984526), and in an individual affected with familial amyloid polyneuropathy and left ventricular hypertrophy who also carried a pathogenic variant in the TTR gene (PMID: 34817018). This variant has been identified in 2/251466 chromosomes in the general population by the Genome Aggregation Database (gnomAD). Different variants affecting the same codon, p.Arg783His and p.Arg783Pro, are considered to be disease-causing (ClinVar variation ID: 193999, 42895), suggesting that arginine at this position is important for MYH7 protein function. The available evidence is insufficient to determine the role of this variant in disease conclusively. Therefore, this variant is classified as a Variant of Uncertain Significance.

All of Us Research Program, National Institutes of Health
Classification: Uncertain significance for Cardiomyopathy. Last evaluated: 2024-04-25. Review status: criteria provided, single submitter. Criteria: ACMG Guidelines, 2015. Collection method: clinical testing. Allele origin: germline. Inheritance: Autosomal dominant inheritance. Observed: 2 variant alleles, 2 heterozygotes.
Comment: This missense variant replaces arginine with leucine at codon 783 of the MYH7 protein. Computational prediction tools indicate that this variant has a neutral impact on protein structure and function. To our knowledge, functional studies have not been reported for this variant. This variant has been reported in one individual affected with sudden arrhythmic death (PMID: 26498160), in one individual affected with sudden cardiac death (PMID: 34984526), and in one individual affected with familial amyloid polyneuropathy and left ventricular hypertrophy who also carried a pathogenic variant in the TTR gene (PMID: 34817018). This variant has been identified in 2/251466 chromosomes in the general population by the Genome Aggregation Database (gnomAD). Different variants affecting the same codon, p.Arg783His and p.Arg783Pro, are considered to be disease-causing (ClinVar variation ID: 193999, 42895), suggesting that arginine at this position is important for MYH7 protein function. The available evidence is insufficient to determine the role of this variant in disease conclusively. Therefore, this variant is classified as a Variant of Uncertain Significance.

This study involves interpretation of variants in research participants for the purpose of population health screening. Participant phenotype was not available at the time of variant classification. Additional details can be found in publication PMID: 35346344, PMCID: PMC8962531

Ambry Genetics
Classification: Uncertain significance for Cardiovascular phenotype. Last evaluated: 2024-01-12. Review status: criteria provided, single submitter. Criteria: Ambry Variant Classification Scheme 2023. Collection method: clinical testing. Allele origin: germline.
Comment: The p.R783L variant (also known as c.2348G>T), located in coding exon 19 of the MYH7 gene, results from a G to T substitution at nucleotide position 2348. The arginine at codon 783 is replaced by leucine, an amino acid with dissimilar properties. This alteration has been reported in sudden death cohorts (Nunn LM et al. Europace, 2016 Jun;18:888-96; Fadoni J et al. Int J Legal Med, 2022 Mar;136:483-491). Two other alterations at the same codon, p.R783H (c.2348G>A) and p.R783P (c.2348G>C), have been detected in cardiomyopathy cohorts (Walsh R et al. Genet. Med., 2017 Feb;19:192-203). This alteration is located in the myosin head domain, which contains a statistically significant clustering of pathogenic missense variants (Homburger JR et al. Proc Natl Acad Sci U S A, 2016 06;113:6701-6; Walsh R et al. Genet Med, 2017 02;19:192-203; Ambry internal data). This amino acid position is not well conserved in available vertebrate species, and leucine is the reference amino acid in other vertebrate species. In addition, this alteration is predicted to be tolerated by in silico analysis. Since supporting evidence is limited at this time, the clinical significance of this alteration remains unclear.

Revvity Omics, Revvity
Classification: Uncertain significance. Last evaluated: 2023-08-01. Review status: criteria provided, single submitter. Criteria: ACMG Guidelines, 2015. Collection method: clinical testing. Allele origin: germline.

GeneDx
Classification: Uncertain significance. Last evaluated: 2023-05-12. Review status: criteria provided, single submitter. Criteria: GeneDx Variant Classification Process June 2021. Collection method: clinical testing. Allele origin: germline. Affected: yes.
Comment: Identified in a patient with familial amyloid polyneuropathy who also harbored a pathogenic variant in the TTR gene (Rodrigues et al., 2021); Not observed at significant frequency in large population cohorts (gnomAD); In silico analysis supports that this missense variant has a deleterious effect on protein structure/function; This variant is associated with the following publications: (PMID: 27532257, 34984526, 34817018, 29300372)

Literature cited by the submitters: PubMed 34817018 (cited by 3 submitters); PubMed 34984526 (cited by 4 submitters); PubMed 21211974 (cited by Labcorp Genetics (formerly Invitae), Labcorp); PubMed 26498160 (cited by 3 submitters).